The following is an entry in ClinVar:

ClinVar aggregate classification (germline): Uncertain significance (1 of 4 stars; one submission).

Conditions:
Familial cold autoinflammatory syndrome 2 (FCAS2). Identifiers: Orphanet 247868, MedGen C2673198, MONDO:0012724, OMIM 611762.

Allele frequency attached by ClinVar (database versions not stated): gnomAD exomes below 0.00001.
gnomAD v4.1: 1 of 1,613,954 alleles (0.000062%); highest among the groups gnomAD compares: Middle Eastern, 0.016%; no homozygotes.

Submission:

Labcorp Genetics (formerly Invitae), Labcorp
Classification: Uncertain significance for Familial cold autoinflammatory syndrome 2. Last evaluated: 2019-02-18. Review status: criteria provided, single submitter. Criteria: Invitae Variant Classification Sherloc (09022015). Collection method: clinical testing. Allele origin: germline.
Comment: This sequence change creates a premature translational stop signal (p.Trp310*) in the NLRP12 gene. It is expected to result in an absent or disrupted protein product. This variant is not present in population databases (ExAC no frequency). This variant has not been reported in the literature in individuals with NLRP12-related conditions. The current clinical and genetic evidence is not sufficient to establish whether loss-of-function variants in NLRP12 cause disease. In summary, the available evidence is currently insufficient to determine the role of this variant in disease. Therefore, it has been classified as a Variant of Uncertain Significance.

NM_144687.4(NLRP12):c.930G>A (p.Trp310Ter)

Gene: NLRP12 (NLR family pyrin domain containing 12; minus strand). Cytogenetic location: 19q13.42.
Variant type: single nucleotide variant.
Coding change: c.930G>A on transcript NM_144687.4 (MANE Select); coding-DNA position 930, G replaced by A.
Protein change: p.Trp310Ter; replaces tryptophan 310 with a stop codon.
Molecular consequence: nonsense.
Genome position (GRCh38, 1-based): chr19:53,810,729, C>T on the plus strand (G>A on the coding strand, the complement: NLRP12 is on the minus strand). VCF-style: chr19-53810729-C-T. GRCh37 (hg19) VCF-style: chr19-54313983-C-T.
Other names: c.930G>A, p.Trp310Ter (NM_001277126.2, NM_001277129.1); short protein forms W310*.
Identifiers: ClinVar variation 661351 (VCV000661351.2), dbSNP rs1599843277, ClinGen allele CA407415495.